The following is an entry in ClinVar:

NM_001110219.3(GJB6):c.154G>T (p.Val52Phe)

Gene: GJB6 (gap junction protein beta 6; minus strand). Cytogenetic location: 13q12.11.
Variant type: single nucleotide variant.
Coding change: c.154G>T on transcript NM_001110219.3 (MANE Select); coding-DNA position 154, G replaced by T.
Protein change: p.Val52Phe; replaces valine 52 with phenylalanine.
Molecular consequence: missense variant.
Genome position (GRCh38, 1-based): chr13:20,223,327, C>A on the plus strand (G>T on the coding strand, the complement: GJB6 is on the minus strand). VCF-style: chr13-20223327-C-A. GRCh37 (hg19) VCF-style: chr13-20797466-C-A.
Other names: c.154G>T, p.Val52Phe (NM_006783.5, NM_001110220.3, NM_001110221.3 and 3 more transcripts); c.154G>T (NM_006783.4); short protein forms V52F.
Identifiers: ClinVar variation 2926737 (VCV002926737.4), dbSNP rs143410202, ClinGen allele CA387468729.

ClinVar aggregate classification (germline): Uncertain significance. Review status: criteria provided, multiple submitters, no conflicts (2 of 4 stars). 2 submissions from 2 submitters: Uncertain significance (2). Last evaluated 2025-10-27.

Conditions:
Inborn genetic diseases. Identifiers: MedGen C0950123, MeSH D030342.
Autosomal dominant nonsyndromic hearing loss 3B. Identifiers: Orphanet 90635, MedGen C2675237, MONDO:0012975, OMIM 612643.
Autosomal recessive nonsyndromic hearing loss 1A (DFNB1A). Also called: Connexin 26 deafness; Deafness nonsyndromic, Connexin 26 linked; GJB6-Related DFNB 1 Nonsyndromic Hearing Loss and Deafness; Deafness, autosomal recessive 1A; Nonsyndromic Hearing Loss and Deafness, DFNB1; GJB2-Related Autosomal Recessive Nonsyndromic Hearing Loss. Identifiers: Orphanet 90636, MedGen C2673759, MONDO:0009076, OMIM 220290.
Autosomal recessive nonsyndromic hearing loss 1B. Also called: DEAFNESS, AUTOSOMAL RECESSIVE 1B. Identifiers: Orphanet 90636, MedGen C2675235, MONDO:0012977, OMIM 612645.
Hidrotic ectodermal dysplasia syndrome (GJB6). Also called: CLOUSTON HIDROTIC ECTODERMAL DYSPLASIA; Ectodermal dysplasia 2, hidrotic; Autosomal dominant hidrotic ectodermal dysplasia; Clouston syndrome; Clouston's hidrotic ectodermal dysplasia; ECTODERMAL DYSPLASIA 2, CLOUSTON TYPE. Identifiers: Orphanet 189, MedGen C0162361, MONDO:0007510, OMIM 129500.

gnomAD v4.1: 4 of 1,614,010 alleles (0.00025%); highest among the groups gnomAD compares: Non-Finnish European, 0.00034%; no homozygotes.

Submissions (2):

Ambry Genetics
Classification: Uncertain significance for Inborn genetic diseases. Last evaluated: 2025-10-27. Review status: criteria provided, single submitter. Criteria: Ambry Variant Classification Scheme 2023. Collection method: clinical testing. Allele origin: germline.

Labcorp Genetics (formerly Invitae), Labcorp
Classification: Uncertain significance for Autosomal dominant nonsyndromic hearing loss 3B; Hidrotic ectodermal dysplasia syndrome; Autosomal recessive nonsyndromic hearing loss 1B; Autosomal recessive nonsyndromic hearing loss 1A. Last evaluated: 2023-03-25. Review status: criteria provided, single submitter. Criteria: Invitae Variant Classification Sherloc (09022015). Collection method: clinical testing. Allele origin: germline.
Comment: Advanced modeling of protein sequence and biophysical properties (such as structural, functional, and spatial information, amino acid conservation, physicochemical variation, residue mobility, and thermodynamic stability) performed at Invitae indicates that this missense variant is not expected to disrupt GJB6 protein function. In summary, the available evidence is currently insufficient to determine the role of this variant in disease. Therefore, it has been classified as a Variant of Uncertain Significance. This variant has not been reported in the literature in individuals affected with GJB6-related conditions. This variant is not present in population databases (gnomAD no frequency). This sequence change replaces valine, which is neutral and non-polar, with phenylalanine, which is neutral and non-polar, at codon 52 of the GJB6 protein (p.Val52Phe).